The following is an entry in ClinVar:

ClinVar aggregate classification (germline): Uncertain significance (1 of 4 stars; one submission).

Conditions:
Aortic aneurysm, familial thoracic 8 (AAT8). Identifiers: MedGen C3809513, MONDO:0014187, OMIM 615436.

Submission:

Labcorp Genetics (formerly Invitae), Labcorp
Classification: Uncertain significance for Aortic aneurysm, familial thoracic 8. Last evaluated: 2023-04-25. Review status: criteria provided, single submitter. Criteria: Invitae Variant Classification Sherloc (09022015). Collection method: clinical testing. Allele origin: germline.
Comment: An algorithm developed to predict the effect of missense changes on protein structure and function (PolyPhen-2) suggests that this variant is likely to be disruptive. In summary, the available evidence is currently insufficient to determine the role of this variant in disease. Therefore, it has been classified as a Variant of Uncertain Significance. This variant has not been reported in the literature in individuals affected with PRKG1-related conditions. This variant is not present in population databases (gnomAD no frequency). This sequence change replaces tryptophan, which is neutral and slightly polar, with serine, which is neutral and polar, at codon 205 of the PRKG1 protein (p.Trp205Ser).

NM_006258.4(PRKG1):c.614G>C (p.Trp205Ser)

Gene: PRKG1 (protein kinase cGMP-dependent 1; plus strand). Cytogenetic location: 10q21.1.
Variant type: single nucleotide variant.
Coding change: c.614G>C on transcript NM_006258.4 (MANE Select); coding-DNA position 614, G replaced by C.
Protein change: p.Trp205Ser; replaces tryptophan 205 with serine.
Molecular consequence: missense variant.
Genome position (GRCh38, 1-based): chr10:51,804,606, G>C. VCF-style: chr10-51804606-G-C. GRCh37 (hg19) VCF-style: chr10-53564366-G-C.
Other names: c.569G>C, p.Trp190Ser (NM_001098512.3); c.614G>C, p.Trp205Ser (NM_001374782.1); short protein forms W190S, W205S.
Identifiers: ClinVar variation 2859154 (VCV002859154.3), dbSNP rs2494026510, ClinGen allele CA376530815.